The following is an entry in ClinVar:

ClinVar aggregate classification (germline): Uncertain significance (1 of 4 stars; one submission).

Conditions:
Cardiovascular phenotype. Identifiers: MedGen CN230736.

Allele frequency attached by ClinVar (database versions not stated): gnomAD 0.00001; gnomAD exomes 0.00001; TOPMed 0.00002.
gnomAD v4.1: 17 of 1,614,050 alleles (0.0011%); highest among the groups gnomAD compares: Admixed American, 0.0017%; no homozygotes.

Submission:

Ambry Genetics
Classification: Uncertain significance for Cardiovascular phenotype. Last evaluated: 2025-03-28. Review status: criteria provided, single submitter. Criteria: Ambry Variant Classification Scheme 2023. Collection method: clinical testing. Allele origin: germline.
Comment: The p.K265E variant (also known as c.793A>G), located in coding exon 7 of the PRDM5 gene, results from an A to G substitution at nucleotide position 793. The lysine at codon 265 is replaced by glutamic acid, an amino acid with similar properties. This amino acid position is conserved. In addition, the in silico prediction for this alteration is inconclusive. Since supporting evidence is limited at this time, the clinical significance of this alteration remains unclear.

NM_018699.4(PRDM5):c.793A>G (p.Lys265Glu)

Gene: PRDM5 (PR/SET domain 5; minus strand). Cytogenetic location: 4q27.
Variant type: single nucleotide variant.
Coding change: c.793A>G on transcript NM_018699.4 (MANE Select); coding-DNA position 793, A replaced by G.
Protein change: p.Lys265Glu; replaces lysine 265 with glutamic acid.
Molecular consequence: missense variant.
Genome position (GRCh38, 1-based): chr4:120,816,525, T>C on the plus strand (A>G on the coding strand, the complement: PRDM5 is on the minus strand). VCF-style: chr4-120816525-T-C. GRCh37 (hg19) VCF-style: chr4-121737680-T-C.
Other names: c.700A>G, p.Lys234Glu (NM_001300823.2, NM_001300824.2, NM_001379106.1); c.793A>G, p.Lys265Glu (NM_001379104.1); short protein forms K265E, K234E.
Identifiers: ClinVar variation 2497579 (VCV002497579.3), dbSNP rs1437198195, ClinGen allele CA358207535.